The following is an entry in ClinVar:

ClinVar aggregate classification (germline): Likely benign (0 of 4 stars; one submission).

Conditions:
SETD1A-related disorder. Also called: SETD1A-related condition.

Submission:

PreventionGenetics, part of Exact Sciences
Classification: Likely benign for SETD1A-related condition. Last evaluated: 2022-04-01. Review status: no assertion criteria provided. Collection method: clinical testing. Allele origin: germline.
Comment: This variant is classified as likely benign based on ACMG/AMP sequence variant interpretation guidelines (Richards et al. 2015 PMID: 25741868, with internal and published modifications).

NM_014712.3(SETD1A):c.4135AGC[4] (p.Ser1383del)

Gene: SETD1A (SET domain containing 1A, histone lysine methyltransferase; plus strand). Cytogenetic location: 16p11.2.
Variant type: Microsatellite.
Coding change: c.4135AGC[4] on transcript NM_014712.3 (MANE Select); four copies in a row of the 3-base unit AGC starting at c.4135; the reference has five copies in a row; one copy, 3 bases deleted.
Protein change: p.Ser1383del; deletes serine 1383.
Genome position (GRCh38, 1-based): chr16:30,979,933-30,979,935, AGC deleted; deleting any 3 consecutive bases within chr16:30,979,920-30,979,935 gives the same sequence; the position shown is the placement nearest the transcript's 3' end. VCF-style (leftmost placement, unchanged base first): chr16-30979919-ACAG-A. GRCh37 (hg19) VCF-style: chr16-30991240-ACAG-A.
Other names: short protein forms S1383del.
Identifiers: ClinVar variation 3041889 (VCV003041889.2), dbSNP rs542501339, ClinGen allele CA8017459.